The following is an entry in ClinVar:

ClinVar aggregate classification (germline): Uncertain significance (1 of 4 stars; one submission).

Allele frequency attached by ClinVar (database versions not stated): gnomAD exomes below 0.00001.
gnomAD v4.1: 2 of 1,562,152 alleles (0.00013%); highest among the groups gnomAD compares: Non-Finnish European, 0.00017%; no homozygotes.

Submission:

CeGaT Center for Human Genetics Tuebingen
Classification: Uncertain significance. Last evaluated: 2024-01-01. Review status: criteria provided, single submitter. Criteria: CeGaT Center For Human Genetics Tuebingen Variant Classification Criteria Version 2. Collection method: clinical testing. Allele origin: germline. Affected: yes. Observed: 1 variant allele.
Comment: NBEA: PM2, BP4

NM_001385012.1(NBEA):c.8903G>A (p.Ter2968=)

Gene: NBEA (neurobeachin; plus strand). Cytogenetic location: 13q13.3.
Variant type: single nucleotide variant.
Coding change: c.8903G>A on transcript NM_001385012.1 (MANE Select); coding-DNA position 8903, G replaced by A.
Protein change: p.Ter2968=.
Molecular consequence: synonymous variant.
Genome position (GRCh38, 1-based): chr13:35,670,990, G>A. VCF-style: chr13-35670990-G-A. GRCh37 (hg19) VCF-style: chr13-36245127-G-A.
Other names: c.2219G>A, p.Ter740= (NM_001204197.3); c.8894G>A, p.Ter2965= (NM_001379245.1); c.8840G>A, p.Ter2947= (NM_015678.5).
Identifiers: ClinVar variation 3026807 (VCV003026807.22), dbSNP rs267603810, ClinGen allele CA248097717.
Genomic context (GRCh38, chr13:35,670,990, plus strand): 5'-GCATTGTAGCTTTTAATATAGATTTTAATCGGTGGCATTATGAGCATCAGAACAGATACT[G>A]AAGATAAAGGAAGAACCAAAAGCCAAGTTAAAGCTGAGAGCACAAGTGCTGCATGGAAAG-3'